The following is an entry in ClinVar:

NM_001692.4(ATP6V1B1):c.988G>T (p.Glu330Ter)

Gene: ATP6V1B1 (ATPase H+ transporting V1 subunit B1; plus strand). Cytogenetic location: 2p13.3.
Variant type: single nucleotide variant.
Coding change: c.988G>T on transcript NM_001692.4 (MANE Select); coding-DNA position 988, G replaced by T.
Protein change: p.Glu330Ter; replaces glutamic acid 330 with a stop codon.
Molecular consequence: nonsense.
Genome position (GRCh38, 1-based): chr2:70,963,240, G>T. VCF-style: chr2-70963240-G-T. GRCh37 (hg19) VCF-style: chr2-71190370-G-T.
Other names: c.988G>T (NM_001692.3); short protein forms E330*.
Identifiers: ClinVar variation 2801530 (VCV002801530.5), dbSNP rs781800676, ClinGen allele CA347186064.

ClinVar aggregate classification (germline): Pathogenic/Likely pathogenic. Review status: criteria provided, multiple submitters, no conflicts (2 of 4 stars). 3 submissions from 3 submitters: Pathogenic (1); Likely pathogenic (2). Last evaluated 2024-06-21.

Conditions:
Renal tubular acidosis with progressive nerve deafness. Also called: Distal Renal Tubular Acidosis with Progressive Sensorineural Deafness; RENAL TUBULAR ACIDOSIS, AUTOSOMAL RECESSIVE, WITH PROGRESSIVE NERVE DEAFNESS; RTA WITH PROGRESSIVE NERVE DEAFNESS; renal tubular acidosis, distal, 2, with progressive sensorineural hearing loss. Identifiers: MedGen C0403554, MONDO:0009968, OMIM 267300.

Submissions (3):

Labcorp Genetics (formerly Invitae), Labcorp
Classification: Pathogenic. Last evaluated: 2024-06-21. Review status: criteria provided, single submitter. Criteria: Invitae Variant Classification Sherloc (09022015). Collection method: clinical testing. Allele origin: germline.
Comment: This sequence change creates a premature translational stop signal (p.Glu330*) in the ATP6V1B1 gene. It is expected to result in an absent or disrupted protein product. Loss-of-function variants in ATP6V1B1 are known to be pathogenic (PMID: 9916796, 18368028). This variant is not present in population databases (gnomAD no frequency). This variant has not been reported in the literature in individuals affected with ATP6V1B1-related conditions. Algorithms developed to predict the effect of sequence changes on RNA splicing suggest that this variant may disrupt the consensus splice site. For these reasons, this variant has been classified as Pathogenic.

Fulgent Genetics
Classification: Likely pathogenic for Renal tubular acidosis with progressive nerve deafness. Last evaluated: 2024-05-28. Review status: criteria provided, single submitter. Criteria: ACMG Guidelines, 2015. Collection method: clinical testing. Allele origin: germline.

Natera, Inc.
Classification: Likely pathogenic for Renal tubular acidosis with progressive nerve deafness. Last evaluated: 2024-05-01. Review status: criteria provided, single submitter. Criteria: Natera Variant Classification Schema (03/2026). Collection method: clinical testing. Allele origin: germline.
Comment: The c.988G>T variant in ATP6V1B1 is a nonsense variant predicted to introduce a stop codon at amino acid 330. This variant is expected to result in nonsense mediated decay, truncation, or a dysfunctional protein product. This variant is rare in the general population with a frequency below the threshold expected for the associated phenotype(s). Given the available evidence, this variant is classified as Likely Pathogenic.

Literature cited by the submitters: PubMed 9916796 (cited by Labcorp Genetics (formerly Invitae), Labcorp); PubMed 18368028 (cited by Labcorp Genetics (formerly Invitae), Labcorp).